The following is an entry in ClinVar:

NM_000135.4(FANCA):c.2201C>T (p.Ser734Phe)

Gene: FANCA (FA complementation group A; minus strand). Cytogenetic location: 16q24.3.
Variant type: single nucleotide variant.
Coding change: c.2201C>T on transcript NM_000135.4 (MANE Select); coding-DNA position 2201, C replaced by T.
Protein change: p.Ser734Phe; replaces serine 734 with phenylalanine.
Molecular consequence: missense variant.
Genome position (GRCh38, 1-based): chr16:89,770,585, G>A on the plus strand (C>T on the coding strand, the complement: FANCA is on the minus strand). VCF-style: chr16-89770585-G-A. GRCh37 (hg19) VCF-style: chr16-89836993-G-A.
Other names: c.2201C>T, p.Ser734Phe (NM_001286167.3); c.2201C>T (NM_000135.2); short protein forms S734F.
Identifiers: ClinVar variation 1298686 (VCV001298686.36), dbSNP rs753460067, ClinGen allele CA397447110.

ClinVar aggregate classification (germline): Uncertain significance. Review status: criteria provided, multiple submitters, no conflicts (2 of 4 stars). 2 submissions from 2 submitters: Uncertain significance (2). Last evaluated 2026-06-17.

Conditions:
Inborn genetic diseases. Identifiers: MedGen C0950123, MeSH D030342.

Submissions (2):

Ambry Genetics
Classification: Uncertain significance for Inborn genetic diseases. Last evaluated: 2026-06-17. Review status: criteria provided, single submitter. Criteria: Ambry Variant Classification Scheme 2023. Collection method: clinical testing. Allele origin: germline.
Comment: The p.S734F variant (also known as c.2201C>T), located in coding exon 24 of the FANCA gene, results from a C to T substitution at nucleotide position 2201. The serine at codon 734 is replaced by phenylalanine, an amino acid with highly dissimilar properties. This amino acid position is conserved. In addition, the in silico prediction for this alteration is inconclusive. Based on the available evidence, the clinical significance of this variant remains unclear.

CeGaT Center for Human Genetics Tuebingen
Classification: Uncertain significance. Last evaluated: 2021-07-01. Review status: criteria provided, single submitter. Criteria: CeGaT Center For Human Genetics Tuebingen Variant Classification Criteria Version 2. Collection method: clinical testing. Allele origin: germline. Affected: yes. Observed: 1 variant allele.